The following is an entry in ClinVar:

ClinVar aggregate classification (germline): Uncertain significance. Review status: criteria provided, multiple submitters, no conflicts (2 of 4 stars). 2 submissions from 2 submitters: Uncertain significance (2). Last evaluated 2025-03-14.

Conditions:
Inborn genetic diseases. Identifiers: MedGen C0950123, MeSH D030342.

Submissions (2):

Ambry Genetics
Classification: Uncertain significance for Inborn genetic diseases. Last evaluated: 2025-03-14. Review status: criteria provided, single submitter. Criteria: Ambry Variant Classification Scheme 2023. Collection method: clinical testing. Allele origin: germline.

Labcorp Genetics (formerly Invitae), Labcorp
Classification: Uncertain significance. Last evaluated: 2024-02-04. Review status: criteria provided, single submitter. Criteria: Invitae Variant Classification Sherloc (09022015). Collection method: clinical testing. Allele origin: germline.
Comment: This sequence change replaces arginine, which is basic and polar, with histidine, which is basic and polar, at codon 107 of the UNC45A protein (p.Arg107His). This variant is present in population databases (rs768136072, gnomAD 0.03%). This variant has not been reported in the literature in individuals affected with UNC45A-related conditions. Advanced modeling of protein sequence and biophysical properties (such as structural, functional, and spatial information, amino acid conservation, physicochemical variation, residue mobility, and thermodynamic stability) performed at Invitae indicates that this missense variant is not expected to disrupt UNC45A protein function with a negative predictive value of 80%. In summary, the available evidence is currently insufficient to determine the role of this variant in disease. Therefore, it has been classified as a Variant of Uncertain Significance.

NM_018671.5(UNC45A):c.320G>A (p.Arg107His)

Gene: UNC45A (unc-45 myosin chaperone A; plus strand). Cytogenetic location: 15q26.1.
Variant type: single nucleotide variant.
Coding change: c.320G>A on transcript NM_018671.5 (MANE Select); coding-DNA position 320, G replaced by A.
Protein change: p.Arg107His; replaces arginine 107 with histidine.
Molecular consequence: missense variant. On other transcripts: 5 prime UTR variant (1).
Genome position (GRCh38, 1-based): chr15:90,936,354, G>A. VCF-style: chr15-90936354-G-A. GRCh37 (hg19) VCF-style: chr15-91479584-G-A.
Other names: c.275G>A, p.Arg92His (NM_001039675.2, NM_001323621.2); c.320G>A, p.Arg107His (NM_001323619.1); c.-116G>A (NM_001323620.2); c.320G>A (NM_018671.3); short protein forms R107H, R92H.
Identifiers: ClinVar variation 3629357 (VCV003629357.3).